The following is an entry in ClinVar:

ClinVar aggregate classification (germline): Uncertain significance. Review status: criteria provided, multiple submitters, no conflicts (2 of 4 stars). 2 submissions from 2 submitters: Uncertain significance (2). Last evaluated 2025-09-02.

Conditions:
Camptomelic dysplasia (CMPD). Also called: CMPD1/SRA1; Campomelic Dysplasia. Identifiers: Orphanet 140, MedGen C1861922, MONDO:0007251, OMIM 114290.

Allele frequency attached by ClinVar (database versions not stated): gnomAD exomes 0.00001 and 0.00002; ExAC 0.00003; TOPMed 0.00005; gnomAD 0.00006; 1000 Genomes Project 0.00020; 1000 Genomes Project 30x 0.00031.
gnomAD v4.1: 18 of 1,613,486 alleles (0.0011%); highest among the groups gnomAD compares: African/African-American, 0.019%; no homozygotes.

Submissions (2):

Labcorp Genetics (formerly Invitae), Labcorp
Classification: Uncertain significance for Camptomelic dysplasia. Last evaluated: 2025-09-02. Review status: criteria provided, single submitter. Criteria: Invitae Variant Classification Sherloc (09022015). Collection method: clinical testing. Allele origin: germline.
Comment: This sequence change replaces aspartic acid, which is acidic and polar, with asparagine, which is neutral and polar, at codon 444 of the SOX9 protein (p.Asp444Asn). This variant is present in population databases (rs551719325, gnomAD 0.03%). This variant has not been reported in the literature in individuals affected with SOX9-related conditions. ClinVar contains an entry for this variant (Variation ID: 1307369). Invitae Evidence Modeling of protein sequence and biophysical properties (such as structural, functional, and spatial information, amino acid conservation, physicochemical variation, residue mobility, and thermodynamic stability) indicates that this missense variant is not expected to disrupt SOX9 protein function with a negative predictive value of 95%. In summary, the available evidence is currently insufficient to determine the role of this variant in disease. Therefore, it has been classified as a Variant of Uncertain Significance.

GeneDx
Classification: Uncertain significance. Last evaluated: 2019-07-24. Review status: criteria provided, single submitter. Criteria: GeneDx Variant Classification Process June 2021. Collection method: clinical testing. Allele origin: germline. Affected: yes.
Comment: In silico analysis, which includes protein predictors and evolutionary conservation, supports a deleterious effect; Has not been previously published as pathogenic or benign to our knowledge

NM_000346.4(SOX9):c.1330G>A (p.Asp444Asn)

Gene: SOX9 (SRY-box transcription factor 9; plus strand). Cytogenetic location: 17q24.3.
Variant type: single nucleotide variant.
Coding change: c.1330G>A on transcript NM_000346.4 (MANE Select); coding-DNA position 1330, G replaced by A.
Protein change: p.Asp444Asn; replaces aspartic acid 444 with asparagine.
Molecular consequence: missense variant.
Genome position (GRCh38, 1-based): chr17:72,124,187, G>A. VCF-style: chr17-72124187-G-A. GRCh37 (hg19) VCF-style: chr17-70120328-G-A.
Other names: short protein forms D444N.
Identifiers: ClinVar variation 1307369 (VCV001307369.12), dbSNP rs551719325, ClinGen allele CA8739144.